The following is an entry in ClinVar:

ClinVar aggregate classification (germline): Uncertain significance. Review status: criteria provided, multiple submitters, no conflicts (2 of 4 stars). 7 submissions from 7 submitters: Uncertain significance (7). Last evaluated 2025-09-05.

Conditions:
Hereditary nonpolyposis colorectal neoplasms. Identifiers: MedGen C0009405, MeSH D003123.
Hereditary cancer-predisposing syndrome. Also called: Hereditary neoplastic syndrome; Hereditary Cancer Syndrome; Neoplastic Syndromes, Hereditary; Tumor predisposition. Identifiers: Orphanet 140162, MedGen C0027672, MeSH D009386, MONDO:0015356.
Lynch syndrome. Identifiers: Orphanet 144, MedGen C4552100, MONDO:0005835. Disease mechanism: loss of function.
Endometrial carcinoma. Also called: Endometrial carcinoma, somatic. Identifiers: MedGen C0476089, MONDO:0002447, OMIM 608089, HP:0012114.

Allele frequency attached by ClinVar (database versions not stated): TOPMed below 0.00001; gnomAD 0.00001.

Submissions (7):

Labcorp Genetics (formerly Invitae), Labcorp
Classification: Uncertain significance for Hereditary nonpolyposis colorectal neoplasms. Last evaluated: 2025-09-05. Review status: criteria provided, single submitter. Criteria: Invitae Variant Classification Sherloc (09022015). Collection method: clinical testing. Allele origin: germline.
Comment: This sequence change replaces glutamine, which is neutral and polar, with glutamic acid, which is acidic and polar, at codon 949 of the MSH6 protein (p.Gln949Glu). This variant is not present in population databases (gnomAD no frequency). This variant has not been reported in the literature in individuals affected with MSH6-related conditions. ClinVar contains an entry for this variant (Variation ID: 237169). Invitae Evidence Modeling of protein sequence and biophysical properties (such as structural, functional, and spatial information, amino acid conservation, physicochemical variation, residue mobility, and thermodynamic stability) indicates that this missense variant is not expected to disrupt MSH6 protein function with a negative predictive value of 95%. In summary, the available evidence is currently insufficient to determine the role of this variant in disease. Therefore, it has been classified as a Variant of Uncertain Significance.

Quest Diagnostics Nichols Institute San Juan Capistrano
Classification: Uncertain significance. Last evaluated: 2024-09-19. Review status: criteria provided, single submitter. Criteria: Quest Diagnostics criteria. Collection method: clinical testing. Allele origin: unknown.
Comment: The MSH6 c.2845C>G (p.Gln949Glu) variant has been reported in the published literature in a reportedly healthy individual in a large scale breast cancer association study (PMID: 33471991 (2021), see also LOVD). This variant has not been reported in large, multi-ethnic general populations (Genome Aggregation Database). Analysis of this variant using bioinformatics tools for the prediction of the effect of amino acid changes on protein structure and function yielded predictions that this variant is benign. Based on the available information, we are unable to determine the clinical significance of this variant. .

Ambry Genetics
Classification: Uncertain significance for Hereditary cancer-predisposing syndrome. Last evaluated: 2024-04-19. Review status: criteria provided, single submitter. Criteria: Ambry Variant Classification Scheme 2023. Collection method: clinical testing. Allele origin: germline.
Comment: The p.Q949E variant (also known as c.2845C>G), located in coding exon 4 of the MSH6 gene, results from a C to G substitution at nucleotide position 2845. The glutamine at codon 949 is replaced by glutamic acid, an amino acid with highly similar properties. This amino acid position is not well conserved in available vertebrate species. In addition, this alteration is predicted to be tolerated by in silico analysis. Since supporting evidence is limited at this time, the clinical significance of this alteration remains unclear.

All of Us Research Program, National Institutes of Health
Classification: Uncertain significance for Lynch syndrome. Last evaluated: 2024-02-05. Review status: criteria provided, single submitter. Criteria: ACMG Guidelines, 2015. Collection method: clinical testing. Allele origin: germline. Inheritance: Autosomal dominant inheritance. Observed: 2 variant alleles, 2 heterozygotes.
Comment: This missense variant replaces glutamine with glutamic acid at codon 949 of the MSH6 protein. Computational prediction suggests that this variant may not impact protein structure and function (internally defined REVEL score threshold <= 0.5, PMID: 27666373). To our knowledge, functional studies have not been reported for this variant. This variant has not been reported in individuals affected with MSH6-related disorders in the literature. This variant has not been identified in the general population by the Genome Aggregation Database (gnomAD). The available evidence is insufficient to determine the role of this variant in disease conclusively. Therefore, this variant is classified as a Variant of Uncertain Significance.

This study involves interpretation of variants in research participants for the purpose of population health screening. Participant phenotype was not available at the time of variant classification. Additional details can be found in publication PMID: 35346344, PMCID: PMC8962531

Color Diagnostics, LLC DBA Color Health
Classification: Uncertain significance for Hereditary cancer-predisposing syndrome. Last evaluated: 2023-10-25. Review status: criteria provided, single submitter. Criteria: ACMG Guidelines, 2015. Collection method: clinical testing. Allele origin: germline.
Comment: This missense variant replaces glutamine with glutamic acid at codon 949 of the MSH6 protein. Computational prediction suggests that this variant may not impact protein structure and function. To our knowledge, functional studies have not been reported for this variant. This variant has not been reported in individuals affected with MSH6-related disorders in the literature. This variant has not been identified in the general population by the Genome Aggregation Database (gnomAD). The available evidence is insufficient to determine the role of this variant in disease conclusively. Therefore, this variant is classified as a Variant of Uncertain Significance.

Baylor Genetics
Classification: Uncertain significance for Endometrial carcinoma. Last evaluated: 2023-08-11. Review status: criteria provided, single submitter. Criteria: ACMG Guidelines, 2015. Collection method: clinical testing. Allele origin: unknown.

GeneDx
Classification: Uncertain significance. Last evaluated: 2022-04-19. Review status: criteria provided, single submitter. Criteria: GeneDx Variant Classification Process June 2021. Collection method: clinical testing. Allele origin: germline. Affected: yes.
Comment: Not observed at significant frequency in large population cohorts (gnomAD); In silico analysis supports that this missense variant does not alter protein structure/function; Has not been previously published as pathogenic or benign to our knowledge; This variant is associated with the following publications: (PMID: 17531815, 21120944)

Literature cited by the submitters: PubMed 33471991 (cited by Quest Diagnostics Nichols Institute San Juan Capistrano).

NM_000179.3(MSH6):c.2845C>G (p.Gln949Glu)

Gene: MSH6 (mutS homolog 6; plus strand). Cytogenetic location: 2p16.3.
Variant type: single nucleotide variant.
Coding change: c.2845C>G on transcript NM_000179.3 (MANE Select); coding-DNA position 2845, C replaced by G.
Protein change: p.Gln949Glu; replaces glutamine 949 with glutamic acid.
Molecular consequence: missense variant.
Genome position (GRCh38, 1-based): chr2:47,800,828, C>G. VCF-style: chr2-47800828-C-G. GRCh37 (hg19) VCF-style: chr2-48027967-C-G.
Other names: c.2455C>G, p.Gln819Glu (NM_001281492.2); c.1939C>G, p.Gln647Glu (NM_001281493.2, NM_001281494.2); short protein forms Q949E, Q647E, Q819E.
Identifiers: ClinVar variation 237169 (VCV000237169.20), dbSNP rs878853724, ClinGen allele CA10582072.